The following is an entry in ClinVar:

NM_032444.4(SLX4):c.1152A>G (p.Pro384=)

Gene: SLX4 (SLX4 structure-specific endonuclease subunit; minus strand). Cytogenetic location: 16p13.3.
Variant type: single nucleotide variant.
Coding change: c.1152A>G on transcript NM_032444.4 (MANE Select); coding-DNA position 1152, A replaced by G.
Protein change: p.Pro384=; no amino-acid change (proline 384 retained).
Molecular consequence: synonymous variant.
Genome position (GRCh38, 1-based): chr16:3,600,990, T>C on the plus strand (A>G on the coding strand, the complement: SLX4 is on the minus strand). VCF-style: chr16-3600990-T-C. GRCh37 (hg19) VCF-style: chr16-3650991-T-C.
Other names: p.Pro384=; c.1152A>G (NM_032444.3, LRG_503t1).
Identifiers: ClinVar variation 262030 (VCV000262030.32), dbSNP rs112511042, ClinGen allele CA7866632.

ClinVar aggregate classification (germline): Benign/Likely benign. Review status: criteria provided, multiple submitters, no conflicts (2 of 4 stars). 10 submissions from 10 submitters: Benign (8); Likely benign (1). 1 of the submissions does not count toward it. Last evaluated 2026-02-04.

Conditions:
Fanconi anemia complementation group P. Also called: SLX4-Related Fanconi Anemia. Identifiers: Orphanet 84, MedGen C3469542, MONDO:0013499, OMIM 613951.
Fanconi anemia (FA). Also called: Fanconi's anemia. Identifiers: Orphanet 84, MedGen C0015625, MeSH D005199, MONDO:0019391.

Allele frequency attached by ClinVar (database versions not stated): 1000 Genomes Project 0.05471; 1000 Genomes Project 30x 0.05637; gnomAD exomes 0.06130 and 0.06296; TOPMed 0.06257; ExAC 0.06272; gnomAD 0.06311 and 0.06386; ESP Exome Variant Server 0.06518.
gnomAD v4.1: 101,353 of 1,613,138 alleles (6.3%); highest among the groups gnomAD compares: Admixed American, 7%; 3,407 homozygotes.

Submissions (10):

Labcorp Genetics (formerly Invitae), Labcorp
Classification: Benign for Fanconi anemia. Last evaluated: 2026-02-04. Review status: criteria provided, single submitter. Criteria: Invitae Variant Classification Sherloc (09022015). Collection method: clinical testing. Allele origin: germline.

Mayo Clinic Laboratories, Mayo Clinic
Classification: Benign. Last evaluated: 2025-09-15. Review status: criteria provided, single submitter. Criteria: ACMG Guidelines, 2015. Collection method: clinical testing. Allele origin: germline. Observed: 2 variant alleles.

ARUP Laboratories, Molecular Genetics and Genomics, ARUP Laboratories
Classification: Benign for Fanconi anemia complementation group P. Last evaluated: 2025-07-02. Review status: criteria provided, single submitter. Criteria: ARUP Molecular Germline Variant Investigation Process 2024. Collection method: clinical testing. Allele origin: germline.

KCCC/NGS Laboratory, Kuwait Cancer Control Center
Classification: Benign for Fanconi anemia complementation group P. Last evaluated: 2025-02-01. Review status: criteria provided, single submitter. Criteria: ACMG Guidelines, 2015. Collection method: clinical testing. Allele origin: germline. Affected: no.

Blueprint Genetics
Classification: Likely benign. Last evaluated: 2024-11-27. Review status: criteria provided, single submitter. Criteria: ACMG Guidelines, 2015. Collection method: clinical testing. Allele origin: germline.

GeneDx
Classification: Benign. Last evaluated: 2019-02-24. Review status: criteria provided, single submitter. Criteria: GeneDx Variant Classification Process June 2021. Collection method: clinical testing. Allele origin: germline. Affected: yes.

Illumina Laboratory Services, Illumina
Classification: Benign for Fanconi anemia complementation group P. Last evaluated: 2018-01-13. Review status: criteria provided, single submitter. Criteria: ICSL Variant Classification Criteria 13 December 2019. Collection method: clinical testing. Allele origin: germline.
Comment: This variant was observed in the ICSL laboratory as part of a predisposition screen in an ostensibly healthy population. It had not been previously curated by ICSL or reported in the Human Gene Mutation Database (HGMD: prior to June 1st, 2018), and was therefore a candidate for classification through an automated scoring system. Utilizing variant allele frequency, disease prevalence and penetrance estimates, and inheritance mode, an automated score was calculated to assess if this variant is too frequent to cause the disease. Based on the score and internal cut-off values, a variant classified as benign is not then subjected to further curation. The score for this variant resulted in a classification of benign for this disease.

Breakthrough Genomics
Classification: Benign. Review status: criteria provided, single submitter. Criteria: ACMG Guidelines, 2015. Collection method: not provided. Allele origin: germline. Inheritance: Autosomal recessive inheritance. Affected: yes.

PreventionGenetics, part of Exact Sciences
Classification: Benign. Review status: criteria provided, single submitter. Criteria: ACMG Guidelines, 2015. Collection method: clinical testing. Allele origin: germline.

Leiden Open Variation Database
Classification: Likely benign. Last evaluated: 2012-08-31. Review status: no assertion criteria provided. Collection method: curation. Allele origin: germline. Affected: yes. Not counted in ClinVar's aggregate classification.
Comment: Curator: Arleen D. Auerbach. Submitter to LOVD: Janine Bakker.

Literature cited by the submitters: PubMed 22911665 (cited by Leiden Open Variation Database).